The following is an entry in ClinVar:

ClinVar aggregate classification (germline): Uncertain significance. Review status: criteria provided, multiple submitters, no conflicts (2 of 4 stars). 3 submissions from 3 submitters: Uncertain significance (3). Last evaluated 2023-11-06.

Conditions:
Hereditary cancer-predisposing syndrome. Also called: Hereditary neoplastic syndrome; Tumor predisposition; Hereditary Cancer Syndrome; Neoplastic Syndromes, Hereditary. Identifiers: Orphanet 140162, MedGen C0027672, MeSH D009386, MONDO:0015356.
Hereditary diffuse gastric adenocarcinoma (HDGC). Also called: DIFFUSE GASTRIC AND LOBULAR BREAST CANCER SYNDROME. Identifiers: Orphanet 26106, MedGen C1708349, MONDO:0007648, OMIM 137215.

Submissions (3):

Color Diagnostics, LLC DBA Color Health
Classification: Uncertain significance for Hereditary cancer-predisposing syndrome. Last evaluated: 2023-11-06. Review status: criteria provided, single submitter. Criteria: ACMG Guidelines, 2015. Collection method: clinical testing. Allele origin: germline.
Comment: This missense variant replaces aspartic acid with alanine at codon 856 of the CDH1 protein. To our knowledge, functional studies have not been reported for this variant. This variant has not been reported in individuals affected with CDH1-related disorders in the literature. This variant has not been identified in the general population by the Genome Aggregation Database (gnomAD). The available evidence is insufficient to determine the role of this variant in disease conclusively. Therefore, this variant is classified as a Variant of Uncertain Significance.

Ambry Genetics
Classification: Uncertain significance for Hereditary cancer-predisposing syndrome. Last evaluated: 2023-09-04. Review status: criteria provided, single submitter. Criteria: Ambry Variant Classification Scheme 2023. Collection method: clinical testing. Allele origin: germline.
Comment: The p.D856A variant (also known as c.2567A>C), located in coding exon 16 of the CDH1 gene, results from an A to C substitution at nucleotide position 2567. The aspartic acid at codon 856 is replaced by alanine, an amino acid with dissimilar properties. This amino acid position is conserved. In addition, this alteration is predicted to be deleterious by in silico analysis. Since supporting evidence is limited at this time, the clinical significance of this alteration remains unclear.

Labcorp Genetics (formerly Invitae), Labcorp
Classification: Uncertain significance for Hereditary diffuse gastric adenocarcinoma. Last evaluated: 2023-05-07. Review status: criteria provided, single submitter. Criteria: Invitae Variant Classification Sherloc (09022015). Collection method: clinical testing. Allele origin: germline.
Comment: ClinVar contains an entry for this variant (Variation ID: 580515). This sequence change replaces aspartic acid, which is acidic and polar, with alanine, which is neutral and non-polar, at codon 856 of the CDH1 protein (p.Asp856Ala). This variant is not present in population databases (gnomAD no frequency). This variant has not been reported in the literature in individuals affected with CDH1-related conditions. An algorithm developed to predict the effect of missense changes on protein structure and function (PolyPhen-2) suggests that this variant is likely to be disruptive. In summary, the available evidence is currently insufficient to determine the role of this variant in disease. Therefore, it has been classified as a Variant of Uncertain Significance.

NM_004360.5(CDH1):c.2567A>C (p.Asp856Ala)

Gene: CDH1 (cadherin 1; plus strand). Cytogenetic location: 16q22.1.
Variant type: single nucleotide variant.
Coding change: c.2567A>C on transcript NM_004360.5 (MANE Select); coding-DNA position 2567, A replaced by C.
Protein change: p.Asp856Ala; replaces aspartic acid 856 with alanine.
Molecular consequence: missense variant.
Genome position (GRCh38, 1-based): chr16:68,833,417, A>C. VCF-style: chr16-68833417-A-C. GRCh37 (hg19) VCF-style: chr16-68867320-A-C.
Other names: c.2567A>C (LRG_301t1); c.2384A>C, p.Asp795Ala (NM_001317184.2); c.1019A>C, p.Asp340Ala (NM_001317185.2); c.602A>C, p.Asp201Ala (NM_001317186.2); short protein forms D856A, D201A, D340A, D795A.
Identifiers: ClinVar variation 580515 (VCV000580515.15), dbSNP rs1567517789, ClinGen allele CA396472487.